The following is an entry in ClinVar:

ClinVar aggregate classification (germline): Uncertain significance (1 of 4 stars; one submission).

Submission:

CeGaT Center for Human Genetics Tuebingen
Classification: Uncertain significance. Last evaluated: 2026-06-01. Review status: criteria provided, single submitter. Criteria: CeGaT Center For Human Genetics Tuebingen Variant Classification Criteria Version 2. Collection method: clinical testing. Allele origin: germline. Affected: yes. Observed: 1 variant allele.
Comment: OFD1: PM2

NM_003611.3(OFD1):c.1606A>G (p.Thr536Ala)

Gene: OFD1 (OFD1 centriole and centriolar satellite protein; plus strand). Cytogenetic location: Xp22.2.
Variant type: single nucleotide variant.
Coding change: c.1606A>G on transcript NM_003611.3 (MANE Select); coding-DNA position 1606, A replaced by G.
Protein change: p.Thr536Ala; replaces threonine 536 with alanine.
Molecular consequence: missense variant.
Genome position (GRCh38, 1-based): chrX:13,758,400, A>G. VCF-style: chrX-13758400-A-G. GRCh37 (hg19) VCF-style: chrX-13776519-A-G.
Other names: c.1486A>G, p.Thr496Ala (NM_001330209.2, NM_001440948.1); c.1186A>G, p.Thr396Ala (NM_001330210.2); c.1606A>G, p.Thr536Ala (NM_001440947.1); short protein forms T396A, T496A, T536A.
Identifiers: ClinVar variation 4875436 (VCV004875436.2).